The following is an entry in ClinVar:

ClinVar aggregate classification (germline): Likely benign (1 of 4 stars; one submission).

gnomAD v4.1: 600 of 1,613,830 alleles (0.037%); highest among the groups gnomAD compares: South Asian, 0.44%; 6 homozygotes.

Submission:

CeGaT Center for Human Genetics Tuebingen
Classification: Likely benign. Last evaluated: 2025-03-01. Review status: criteria provided, single submitter. Criteria: CeGaT Center For Human Genetics Tuebingen Variant Classification Criteria Version 2. Collection method: clinical testing. Allele origin: germline. Affected: yes. Observed: 1 variant allele.
Comment: ZFHX4: BP4, BS1

NM_024721.5(ZFHX4):c.4435G>C (p.Asp1479His)

Gene: ZFHX4 (zinc finger homeobox 4; plus strand). Cytogenetic location: 8q21.13.
Variant type: single nucleotide variant.
Coding change: c.4435G>C on transcript NM_024721.5 (MANE Select); coding-DNA position 4435, G replaced by C.
Protein change: p.Asp1479His; replaces aspartic acid 1479 with histidine.
Molecular consequence: missense variant.
Genome position (GRCh38, 1-based): chr8:76,851,356, G>C. VCF-style: chr8-76851356-G-C. GRCh37 (hg19) VCF-style: chr8-77763592-G-C.
Other names: c.4357G>C, p.Asp1453His (NM_001410934.1); short protein forms D1453H, D1479H.
Identifiers: ClinVar variation 3777996 (VCV003777996.7).